The following is an entry in ClinVar:

NM_198576.4(AGRN):c.1580A>C (p.Gln527Pro)

Gene: AGRN (agrin; plus strand). Cytogenetic location: 1p36.33.
Variant type: single nucleotide variant.
Coding change: c.1580A>C on transcript NM_198576.4 (MANE Select); coding-DNA position 1580, A replaced by C.
Protein change: p.Gln527Pro; replaces glutamine 527 with proline.
Molecular consequence: missense variant.
Genome position (GRCh38, 1-based): chr1:1,043,434, A>C. VCF-style: chr1-1043434-A-C. GRCh37 (hg19) VCF-style: chr1-978814-A-C.
Other names: c.1580A>C, p.Gln527Pro (NM_001305275.2); c.1265A>C, p.Gln422Pro (NM_001364727.2); short protein forms Q527P, Q422P.
Identifiers: ClinVar variation 660984 (VCV000660984.6), dbSNP rs1489534034, ClinGen allele CA337831812.

ClinVar aggregate classification (germline): Uncertain significance (1 of 4 stars; one submission).

Conditions:
Congenital myasthenic syndrome 8. Also called: MYASTHENIC SYNDROME, CONGENITAL, DUE TO AGRIN DEFICIENCY; Myasthenic syndrome, congenital, 8, with pre- and postsynaptic defects. Identifiers: Orphanet 590, MedGen C3808739, MONDO:0014052, OMIM 615120.

Allele frequency attached by ClinVar (database versions not stated): gnomAD 0.00001.
gnomAD v4.1: 5 of 1,606,714 alleles (0.00031%); highest among the groups gnomAD compares: Middle Eastern, 0.016%; no homozygotes.

Submission:

Labcorp Genetics (formerly Invitae), Labcorp
Classification: Uncertain significance for Congenital myasthenic syndrome 8. Last evaluated: 2022-08-29. Review status: criteria provided, single submitter. Criteria: Invitae Variant Classification Sherloc (09022015). Collection method: clinical testing. Allele origin: germline.
Comment: Algorithms developed to predict the effect of missense changes on protein structure and function (SIFT, PolyPhen-2, Align-GVGD) all suggest that this variant is likely to be tolerated. ClinVar contains an entry for this variant (Variation ID: 660984). This variant has not been reported in the literature in individuals affected with AGRN-related conditions. This variant is present in population databases (no rsID available, gnomAD 0.01%). This sequence change replaces glutamine, which is neutral and polar, with proline, which is neutral and non-polar, at codon 527 of the AGRN protein (p.Gln527Pro). In summary, the available evidence is currently insufficient to determine the role of this variant in disease. Therefore, it has been classified as a Variant of Uncertain Significance. Algorithms developed to predict the effect of sequence changes on RNA splicing suggest that this variant may disrupt the consensus splice site.